The following is an entry in ClinVar:

NM_001372.4(DNAH9):c.2427_2438del (p.Asp809_Glu812del)

Gene: DNAH9 (dynein axonemal heavy chain 9; plus strand). Cytogenetic location: 17p12.
Variant type: Deletion.
Coding change: c.2427_2438del on transcript NM_001372.4 (MANE Select); coding-DNA positions 2427 to 2438, 12 bases deleted (CAATGTGGAAGA).
Protein change: p.Asp809_Glu812del.
Genome position (GRCh38, 1-based): chr17:11,652,834-11,652,845, CAATGTGGAAGA deleted; deleting any 12 consecutive bases within chr17:11,652,830-11,652,845 gives the same sequence; the c. name uses the placement nearest the transcript's 3' end. VCF-style (leftmost placement, unchanged base first): chr17-11652829-AAAGACAATGTGG-A. GRCh37 (hg19) VCF-style: chr17-11556146-AAAGACAATGTGG-A.
Identifiers: ClinVar variation 4811032 (VCV004811032.1).

ClinVar aggregate classification (germline): Uncertain significance (1 of 4 stars; one submission).

Submission:

Labcorp Genetics (formerly Invitae), Labcorp
Classification: Uncertain significance. Last evaluated: 2025-07-24. Review status: criteria provided, single submitter. Criteria: Invitae Variant Classification Sherloc (09022015). Collection method: clinical testing. Allele origin: germline.
Comment: This variant, c.2427_2438del, results in the deletion of 4 amino acid(s) of the DNAH9 protein (p.Asp809_Glu812del), but otherwise preserves the integrity of the reading frame. This variant is not present in population databases (gnomAD no frequency). This variant has not been reported in the literature in individuals affected with DNAH9-related conditions. Experimental studies and prediction algorithms are not available or were not evaluated, and the functional significance of this variant is currently unknown. In summary, the available evidence is currently insufficient to determine the role of this variant in disease. Therefore, it has been classified as a Variant of Uncertain Significance.